The following is an entry in ClinVar:

ClinVar aggregate classification (germline): Likely benign. Review status: criteria provided, multiple submitters, no conflicts (2 of 4 stars). 3 submissions from 3 submitters: Likely benign (3). Last evaluated 2025-12-21.

Conditions:
Familial sleep-related hypermotor epilepsy. Also called: Autosomal Dominant Sleep-Related Hypermotor (Hyperkinetic) Epilepsy. Identifiers: Orphanet 98784, MedGen C3696898, MONDO:0000030.

Allele frequency attached by ClinVar (database versions not stated): gnomAD 0.00003; gnomAD exomes 0.00003 and 0.00005; TOPMed 0.00003; ExAC 0.00008.
gnomAD v4.1: 73 of 1,586,476 alleles (0.0046%); highest among the groups gnomAD compares: Non-Finnish European, 0.0061%; no homozygotes.

Submissions (3):

Labcorp Genetics (formerly Invitae), Labcorp
Classification: Likely benign. Last evaluated: 2025-12-21. Review status: criteria provided, single submitter. Criteria: Invitae Variant Classification Sherloc (09022015). Collection method: clinical testing. Allele origin: germline.

Blueprint Genetics
Classification: Likely benign. Last evaluated: 2020-01-11. Review status: criteria provided, single submitter. Criteria: ACMG Guidelines, 2015. Collection method: clinical testing. Allele origin: germline.

GeneDx
Classification: Likely benign. Last evaluated: 2016-08-11. Review status: criteria provided, single submitter. Criteria: GeneDx Variant Classification (06012015). Collection method: clinical testing. Allele origin: germline. Affected: yes.
Comment: This variant is considered likely benign or benign based on one or more of the following criteria: it is a conservative change, it occurs at a poorly conserved position in the protein, it is predicted to be benign by multiple in silico algorithms, and/or has population frequency not consistent with disease.

NM_000744.7(CHRNA4):c.273+7G>A

Genes: CHRNA4 (cholinergic receptor nicotinic alpha 4 subunit; minus strand), LOC126863087 (P300/CBP strongly-dependent group 1 enhancer GRCh37_chr20:61986832-61988031; plus strand). Cytogenetic location: 20q13.33.
Variant type: single nucleotide variant.
Coding change: c.273+7G>A on transcript NM_000744.7 (MANE Select); 7 bases into the intron after coding-DNA position 273, G replaced by A.
Molecular consequence: intron variant.
Genome position (GRCh38, 1-based): chr20:63,356,364, C>T on the plus strand (G>A on the coding strand, the complement: CHRNA4 is on the minus strand). VCF-style: chr20-63356364-C-T. GRCh37 (hg19) VCF-style: chr20-61987716-C-T.
Other names: c.-274+7G>A (NM_001256573.2).
Identifiers: ClinVar variation 388461 (VCV000388461.11), dbSNP rs202233788, ClinGen allele CA9957902.